The following is an entry in ClinVar:

ClinVar aggregate classification (germline): Conflicting classifications of pathogenicity. Review status: criteria provided, conflicting classifications (1 of 4 stars). 2 submissions from 2 submitters: Uncertain significance (1); Likely benign (1). Last evaluated 2025-12-24.

Allele frequency attached by ClinVar (database versions not stated): gnomAD exomes 0.00004; gnomAD 0.00007; TOPMed 0.00010; ExAC 0.00019; 1000 Genomes Project 30x 0.00078; 1000 Genomes Project 0.00080.
gnomAD v4.1: 65 of 1,569,380 alleles (0.0041%); highest among the groups gnomAD compares: East Asian, 0.042%; 1 homozygote.

Submissions (2):

Labcorp Genetics (formerly Invitae), Labcorp
Classification: Likely benign. Last evaluated: 2025-12-24. Review status: criteria provided, single submitter. Criteria: Invitae Variant Classification Sherloc (09022015). Collection method: clinical testing. Allele origin: germline.

GeneDx
Classification: Uncertain significance. Last evaluated: 2025-05-28. Review status: criteria provided, single submitter. Criteria: GeneDx Variant Classification Process June 2021. Collection method: clinical testing. Allele origin: germline. Affected: yes.
Comment: Has not been previously published as pathogenic or benign to our knowledge; In silico analysis is inconclusive as to whether the variant alters gene splicing. In the absence of RNA/functional studies, the actual effect of this sequence change is unknown.; Reported using an alternate transcript of the gene

NM_194248.3(OTOF):c.5985C>T (p.Leu1995=)

Gene: OTOF (otoferlin; minus strand). Cytogenetic location: 2p23.3.
Variant type: single nucleotide variant.
Coding change: c.5985C>T on transcript NM_194248.3 (MANE Select); coding-DNA position 5985, C replaced by T.
Protein change: p.Leu1995=; no amino-acid change (leucine 1995 retained).
Molecular consequence: synonymous variant. On other transcripts: intron variant (2).
Genome position (GRCh38, 1-based): chr2:26,460,034, G>A on the plus strand (C>T on the coding strand, the complement: OTOF is on the minus strand). VCF-style: chr2-26460034-G-A. GRCh37 (hg19) VCF-style: chr2-26682902-G-A.
Other names: c.3684C>T, p.Leu1228= (NM_004802.4); c.3915C>T, p.Leu1305= (NM_194322.3); c.5813+613C>T (NM_001287489.2); c.3512+613C>T (NM_194323.3).
Identifiers: ClinVar variation 2175181 (VCV002175181.5), dbSNP rs200269526, ClinGen allele CA1562650.